The following is an entry in ClinVar:

ClinVar aggregate classification (germline): Uncertain significance. Review status: criteria provided, multiple submitters, no conflicts (2 of 4 stars). 6 submissions from 6 submitters: Uncertain significance (6). Last evaluated 2025-11-13.

Conditions:
Autosomal recessive limb-girdle muscular dystrophy type 2Q (LGMDR17). Also called: MUSCULAR DYSTROPHY, LIMB-GIRDLE, AUTOSOMAL RECESSIVE 17. Identifiers: Orphanet 254361, MedGen C3150989, MONDO:0013390, OMIM 613723.
Epidermolysis bullosa simplex 5B, with muscular dystrophy (EBS5B). Also called: EPIDERMOLYSIS BULLOSA SIMPLEX AND LIMB-GIRDLE MUSCULAR DYSTROPHY; Epidermolysis bullosa simplex with muscular dystrophy. Identifiers: Orphanet 257, MedGen C2931072, MONDO:0009181, OMIM 226670.
Epidermolysis bullosa simplex, Ogna type (EBS5A). Also called: Pidermolysis bullosa simplex 5A, Ogna type; EPIDERMOLYSIS BULLOSA SIMPLEX 5A, OGNA TYPE. Identifiers: Orphanet 79401, MedGen C0432317, MONDO:0007555, OMIM 131950.
Epidermolysis bullosa simplex 5C, with pyloric atresia (EBS5C). Also called: PLEC-Related Epidermolysis Bullosa with Pyloric Atresia; Epidermolysis bullosa simplex with pyloric atresia; PLEC1-Related Epidermolysis Bullosa with Pyloric Atresia. Identifiers: Orphanet 158684, MedGen C2677349, MONDO:0012807, OMIM 612138.
Epidermolysis bullosa simplex with nail dystrophy (EBS5D). Identifiers: MedGen C4225309, MONDO:0014661, OMIM 616487.
Inborn genetic diseases. Identifiers: MedGen C0950123, MeSH D030342.

Allele frequency attached by ClinVar (database versions not stated): gnomAD 0.00010 and 0.00011; gnomAD exomes 0.00011 and 0.00012; TOPMed 0.00012; ExAC 0.00013; 1000 Genomes Project 30x 0.00031; 1000 Genomes Project 0.00040.

Submissions (6):

Ambry Genetics
Classification: Uncertain significance for Inborn genetic diseases. Last evaluated: 2025-11-13. Review status: criteria provided, single submitter. Criteria: Ambry Variant Classification Scheme 2023. Collection method: clinical testing. Allele origin: germline.

Labcorp Genetics (formerly Invitae), Labcorp
Classification: Uncertain significance for Autosomal recessive limb-girdle muscular dystrophy type 2Q; Epidermolysis bullosa simplex, Ogna type; Epidermolysis bullosa simplex with nail dystrophy; Epidermolysis bullosa simplex 5C, with pyloric atresia; Epidermolysis bullosa simplex 5B, with muscular dystrophy. Last evaluated: 2025-09-29. Review status: criteria provided, single submitter. Criteria: Invitae Variant Classification Sherloc (09022015). Collection method: clinical testing. Allele origin: germline.
Comment: This sequence change replaces arginine, which is basic and polar, with cysteine, which is neutral and slightly polar, at codon 3701 of the PLEC protein (p.Arg3701Cys). This variant is present in population databases (rs557562267, gnomAD 0.02%). This variant has not been reported in the literature in individuals affected with PLEC-related conditions. ClinVar contains an entry for this variant (Variation ID: 586325). An algorithm developed to predict the effect of missense changes on protein structure and function (PolyPhen-2) suggests that this variant is likely to be disruptive. In summary, the available evidence is currently insufficient to determine the role of this variant in disease. Therefore, it has been classified as a Variant of Uncertain Significance.

Revvity Omics, Revvity
Classification: Uncertain significance. Last evaluated: 2025-03-10. Review status: criteria provided, single submitter. Criteria: ACMG Guidelines, 2015. Collection method: clinical testing. Allele origin: germline.

Women's Health and Genetics/Laboratory Corporation of America, LabCorp
Classification: Uncertain significance. Last evaluated: 2024-12-06. Review status: criteria provided, single submitter. Criteria: LabCorp Variant Classification Summary - May 2015. Collection method: clinical testing. Allele origin: germline.
Comment: Variant summary: PLEC c.11101C>T (p.Arg3701Cys) results in a non-conservative amino acid change in the encoded protein sequence. Four of five in-silico tools predict a damaging effect of the variant on protein function. The variant allele was found at a frequency of 0.00011 in 247462 control chromosomes. This frequency is not significantly higher than estimated for a pathogenic variant in PLEC causing PLEC-Related Disorders, allowing no conclusion about variant significance. To our knowledge, no occurrence of c.11101C>T in individuals affected with PLEC-Related Disorders and no experimental evidence demonstrating its impact on protein function have been reported. ClinVar contains an entry for this variant (Variation ID: 586325). Based on the evidence outlined above, the variant was classified as uncertain significance.

Athena Diagnostics
Classification: Uncertain significance. Last evaluated: 2017-09-22. Review status: criteria provided, single submitter. Criteria: Athena Diagnostics Criteria. Collection method: clinical testing. Allele origin: germline.

Eurofins Ntd Llc (ga)
Classification: Uncertain significance. Last evaluated: 2017-09-01. Review status: criteria provided, single submitter. Criteria: EGL Classification Definitions 2015. Collection method: clinical testing. Allele origin: germline. Observed: 1 variant allele, 1 heterozygote.

NM_201384.3(PLEC):c.11020C>T (p.Arg3674Cys)

Gene: PLEC (plectin; minus strand). Cytogenetic location: 8q24.3.
Variant type: single nucleotide variant.
Coding change: c.11020C>T on transcript NM_201384.3 (MANE Select); coding-DNA position 11020, C replaced by T.
Protein change: p.Arg3674Cys; replaces arginine 3674 with cysteine.
Molecular consequence: missense variant.
Genome position (GRCh38, 1-based): chr8:143,918,801, G>A on the plus strand (C>T on the coding strand, the complement: PLEC is on the minus strand). VCF-style: chr8-143918801-G-A. GRCh37 (hg19) VCF-style: chr8-144992969-G-A.
Other names: c.11101C>T, p.Arg3701Cys (NM_000445.5); c.10978C>T, p.Arg3660Cys (NM_201378.4); c.10954C>T, p.Arg3652Cys (NM_201379.3); c.11431C>T, p.Arg3811Cys (NM_201380.4); c.10924C>T, p.Arg3642Cys (NM_201381.3); c.11020C>T, p.Arg3674Cys (NM_201382.4); c.11032C>T, p.Arg3678Cys (NM_201383.3); short protein forms R3642C, R3652C, R3660C, R3674C, R3678C, R3701C, R3811C.
Identifiers: ClinVar variation 586325 (VCV000586325.17), dbSNP rs557562267, ClinGen allele CA4924458.